The following is an entry in ClinVar:

NM_001844.5(COL2A1):c.1594G>C (p.Glu532Gln)

Gene: COL2A1 (collagen type II alpha 1 chain; minus strand). Cytogenetic location: 12q13.11.
Variant type: single nucleotide variant.
Coding change: c.1594G>C on transcript NM_001844.5 (MANE Select); coding-DNA position 1594, G replaced by C.
Protein change: p.Glu532Gln; replaces glutamic acid 532 with glutamine.
Molecular consequence: missense variant.
Genome position (GRCh38, 1-based): chr12:47,985,814, C>G on the plus strand (G>C on the coding strand, the complement: COL2A1 is on the minus strand). VCF-style: chr12-47985814-C-G. GRCh37 (hg19) VCF-style: chr12-48379597-C-G.
Other names: c.1387G>C, p.Glu463Gln (NM_033150.3); short protein forms E463Q, E532Q.
Identifiers: ClinVar variation 1716877 (VCV001716877.6), dbSNP rs1354905061, ClinGen allele CA384551774.
Genomic context (GRCh38, chr12:47,985,814, plus strand): 5'-CAGGACGGCCAGGGTCACCGTTGGCTCCCTTGGGGCCAGCAAGACCACTGGGCCCTCGCT[C>G]TCCAGGGGCTCCCTACAAGGGTACACAGGGAGTCAGTGGGATACCATGTGACCTCAGCGA-3'
Protein context (NP_001835.3, residues 522-542): GLAGPKGAPG[Glu532Gln]RGPSGLAGPK

ClinVar aggregate classification (germline): Uncertain significance. Review status: criteria provided, multiple submitters, no conflicts (2 of 4 stars). 2 submissions from 2 submitters: Uncertain significance (2). Last evaluated 2025-04-28.

Allele frequency attached by ClinVar (database versions not stated): gnomAD 0.00001.
gnomAD v4.1: 1 of 1,610,522 alleles (0.000062%); highest among the groups gnomAD compares: East Asian, 0.0022%; no homozygotes.

Submissions (2):

Labcorp Genetics (formerly Invitae), Labcorp
Classification: Uncertain significance. Last evaluated: 2025-04-28. Review status: criteria provided, single submitter. Criteria: Invitae Variant Classification Sherloc (09022015). Collection method: clinical testing. Allele origin: germline.
Comment: This sequence change replaces glutamic acid, which is acidic and polar, with glutamine, which is neutral and polar, at codon 532 of the COL2A1 protein (p.Glu532Gln). This variant is not present in population databases (gnomAD no frequency). This variant has not been reported in the literature in individuals affected with COL2A1-related conditions. ClinVar contains an entry for this variant (Variation ID: 1716877). Invitae Evidence Modeling of protein sequence and biophysical properties (such as structural, functional, and spatial information, amino acid conservation, physicochemical variation, residue mobility, and thermodynamic stability) indicates that this missense variant is not expected to disrupt COL2A1 protein function with a negative predictive value of 95%. In summary, the available evidence is currently insufficient to determine the role of this variant in disease. Therefore, it has been classified as a Variant of Uncertain Significance.

Blueprint Genetics
Classification: Uncertain significance. Last evaluated: 2020-10-28. Review status: criteria provided, single submitter. Criteria: ACMG Guidelines, 2015. Collection method: clinical testing. Allele origin: germline.